The following is an entry in ClinVar:

NM_000245.4(MET):c.860G>C (p.Gly287Ala)

Gene: MET (MET proto-oncogene, receptor tyrosine kinase; plus strand). Cytogenetic location: 7q31.2.
Variant type: single nucleotide variant.
Coding change: c.860G>C on transcript NM_000245.4 (MANE Select); coding-DNA position 860, G replaced by C.
Protein change: p.Gly287Ala; replaces glycine 287 with alanine.
Molecular consequence: missense variant. On other transcripts: intron variant (1).
Genome position (GRCh38, 1-based): chr7:116,699,944, G>C. VCF-style: chr7-116699944-G-C. GRCh37 (hg19) VCF-style: chr7-116339998-G-C.
Other names: c.860G>C, p.Gly287Ala (NM_001127500.3, NM_001324401.3); c.-91+27367G>C (NM_001324402.2); c.860G>C (NM_001127500.1); short protein forms G287A.
Identifiers: ClinVar variation 1472500 (VCV001472500.10), dbSNP rs2116599722, ClinGen allele CA368970010.

ClinVar aggregate classification (germline): Conflicting classifications of pathogenicity. Review status: criteria provided, conflicting classifications (1 of 4 stars). 2 submissions from 2 submitters: Uncertain significance (1); Likely benign (1). Last evaluated 2026-06-04.

Conditions:
Renal cell carcinoma. Identifiers: Orphanet 217071, MedGen C0007134, MeSH D002292, MONDO:0005086, HP:0005584.
Hereditary cancer-predisposing syndrome. Also called: Tumor predisposition; Neoplastic Syndromes, Hereditary; Hereditary Cancer Syndrome; Hereditary neoplastic syndrome. Identifiers: Orphanet 140162, MedGen C0027672, MeSH D009386, MONDO:0015356.

Submissions (2):

Ambry Genetics
Classification: Likely benign for Hereditary cancer-predisposing syndrome. Last evaluated: 2026-06-04. Review status: criteria provided, single submitter. Criteria: Ambry Variant Classification Scheme 2023. Collection method: clinical testing. Allele origin: germline.

Labcorp Genetics (formerly Invitae), Labcorp
Classification: Uncertain significance for Renal cell carcinoma. Last evaluated: 2020-12-03. Review status: criteria provided, single submitter. Criteria: Invitae Variant Classification Sherloc (09022015). Collection method: clinical testing. Allele origin: germline.
Comment: In summary, the available evidence is currently insufficient to determine the role of this variant in disease. Therefore, it has been classified as a Variant of Uncertain Significance. Algorithms developed to predict the effect of missense changes on protein structure and function output the following: SIFT: "Tolerated"; PolyPhen-2: "Possibly Damaging"; Align-GVGD: "Class C0". The alanine amino acid residue is found in multiple mammalian species, suggesting that this missense change does not adversely affect protein function. These predictions have not been confirmed by published functional studies and their clinical significance is uncertain. This variant has not been reported in the literature in individuals with MET-related conditions. This variant is not present in population databases (ExAC no frequency). This sequence change replaces glycine with alanine at codon 287 of the MET protein (p.Gly287Ala). The glycine residue is weakly conserved and there is a small physicochemical difference between glycine and alanine.